The following is an entry in ClinVar:

ClinVar aggregate classification (germline): Conflicting classifications of pathogenicity. Review status: criteria provided, conflicting classifications (1 of 4 stars). 10 submissions from 9 submitters: Uncertain significance (1); Benign (4); Likely benign (4). 1 of the submissions does not count toward it. Last evaluated 2026-02-01.

Conditions:
RYR1-related disorder. Also called: RYR1-related disorders; RYR1-related condition. Identifiers: MedGen CN239331.
Malignant hyperthermia, susceptibility to, 1 (MHS1). Also called: Anesthesia related hyperthermia; Malignant hyperpyrexia; Fulminating hyperpyrexia; Pharmacogenic myopathy; Malignant hyperthermia suceptibility 1; RYR1-Related Malignant Hyperthermia Susceptibility. Identifiers: Orphanet 423, MedGen C2930980, MONDO:0007783, OMIM 145600.
Congenital multicore myopathy with external ophthalmoplegia (CMYO1B). Also called: Minicore myopathy with external ophthalmoplegia; MULTIMINICORE DISEASE WITH EXTERNAL OPHTHALMOPLEGIA; MULTICORE MYOPATHY; Congenital myopathy 1B, autosomal recessive; Minicore myopathy. Identifiers: Orphanet 598, Orphanet 98905, MedGen C1850674, MONDO:0009712, OMIM 255320, HP:0003789.

Allele frequency attached by ClinVar (database versions not stated): ESP Exome Variant Server 0.00008; gnomAD 0.00019 and 0.00038; TOPMed 0.00034; gnomAD exomes 0.00051; 1000 Genomes Project 30x 0.00234; 1000 Genomes Project 0.00240.
gnomAD v4.1: 786 of 1,614,024 alleles (0.049%); highest among the groups gnomAD compares: East Asian, 1.4%; 8 homozygotes.

Submissions (10):

Labcorp Genetics (formerly Invitae), Labcorp
Classification: Benign for RYR1-related disorder. Last evaluated: 2026-02-01. Review status: criteria provided, single submitter. Criteria: Invitae Variant Classification Sherloc (09022015). Collection method: clinical testing. Allele origin: germline.

Blueprint Genetics
Classification: Likely benign. Last evaluated: 2024-07-10. Review status: criteria provided, single submitter. Criteria: ACMG Guidelines, 2015. Collection method: clinical testing. Allele origin: germline.

All of Us Research Program, National Institutes of Health
Classification: Benign for Malignant hyperthermia, susceptibility to, 1. Last evaluated: 2024-02-05. Review status: criteria provided, single submitter. Criteria: ACMG Guidelines, 2015. Collection method: clinical testing. Allele origin: germline. Inheritance: Autosomal dominant inheritance. Observed: 79 variant alleles, 78 heterozygotes, 1 homozygote.
Comment: This study involves interpretation of variants in research participants for the purpose of population health screening. Participant phenotype was not available at the time of variant classification. Additional details can be found in publication PMID: 35346344, PMCID: PMC8962531

Color Diagnostics, LLC DBA Color Health
Classification: Benign for Malignant hyperthermia, susceptibility to, 1. Last evaluated: 2022-10-03. Review status: criteria provided, single submitter. Criteria: ACMG Guidelines, 2015. Collection method: clinical testing. Allele origin: germline.

GeneDx
Classification: Likely benign. Last evaluated: 2020-09-30. Review status: criteria provided, single submitter. Criteria: GeneDx Variant Classification Process June 2021. Collection method: clinical testing. Allele origin: germline. Affected: yes.
Comment: This variant is associated with the following publications: (PMID: 16917943)

Illumina Laboratory Services, Illumina
Classification: Likely benign for Malignant hyperthermia, susceptibility to, 1. Last evaluated: 2018-01-13. Review status: criteria provided, single submitter. Criteria: ICSL Variant Classification Criteria 13 December 2019. Collection method: clinical testing. Allele origin: germline.
Comment: This variant was observed in the ICSL laboratory as part of a predisposition screen in an ostensibly healthy population. It had not been previously curated by ICSL or reported in the Human Gene Mutation Database (HGMD: prior to June 1st, 2018), and was therefore a candidate for classification through an automated scoring system. Utilizing variant allele frequency, disease prevalence and penetrance estimates, and inheritance mode, an automated score was calculated to assess if this variant is too frequent to cause the disease. Based on the score and internal cut-off values, a variant classified as likely benign is not then subjected to further curation. The score for this variant resulted in a classification of likely benign for this disease.

Illumina Laboratory Services, Illumina
Classification: Likely benign for Congenital multicore myopathy with external ophthalmoplegia. Last evaluated: 2018-01-13. Review status: criteria provided, single submitter. Criteria: ICSL Variant Classification Criteria 13 December 2019. Collection method: clinical testing. Allele origin: germline.
Comment: the same text as in the submission from Illumina Laboratory Services, Illumina above.

PreventionGenetics, part of Exact Sciences
Classification: Benign. Last evaluated: 2016-01-18. Review status: criteria provided, single submitter. Criteria: ACMG Guidelines, 2015. Collection method: clinical testing. Allele origin: germline.

Genetic Services Laboratory, University of Chicago
Classification: Uncertain significance. Last evaluated: 2013-03-04. Review status: criteria provided, single submitter. Criteria: ACMG Guidelines, 2007. Collection method: clinical testing. Allele origin: germline. Inheritance: Autosomal unknown.

RYR1 database
No classification provided. Review status: no classification provided. Collection method: not provided. Allele origin: unknown. Not counted in ClinVar's aggregate classification.

NM_000540.3(RYR1):c.1123-11C>T

Gene: RYR1 (ryanodine receptor 1; plus strand). Cytogenetic location: 19q13.2.
Variant type: single nucleotide variant.
Coding change: c.1123-11C>T on transcript NM_000540.3 (MANE Select); 11 bases into the intron before coding-DNA position 1123, C replaced by T.
Molecular consequence: intron variant.
Genome position (GRCh38, 1-based): chr19:38,451,753, C>T. VCF-style: chr19-38451753-C-T. GRCh37 (hg19) VCF-style: chr19-38942393-C-T.
Other names: c.1123-11C>T (NM_001042723.2).
Identifiers: ClinVar variation 133010 (VCV000133010.21), dbSNP rs3745845, ClinGen allele CA023902.